The following is an entry in ClinVar:

NM_003680.4(YARS1):c.621G>C (p.Arg207=)

Gene: YARS1 (tyrosyl-tRNA synthetase 1; minus strand). Cytogenetic location: 1p35.1.
Variant type: single nucleotide variant.
Coding change: c.621G>C on transcript NM_003680.4 (MANE Select); coding-DNA position 621, G replaced by C.
Protein change: p.Arg207=; no amino-acid change (arginine 207 retained).
Molecular consequence: synonymous variant.
Genome position (GRCh38, 1-based): chr1:32,791,225, C>G on the plus strand (G>C on the coding strand, the complement: YARS1 is on the minus strand). VCF-style: chr1-32791225-C-G. GRCh37 (hg19) VCF-style: chr1-33256826-C-G.
Identifiers: ClinVar variation 1681519 (VCV001681519.9), dbSNP rs960541646, ClinGen allele CA20282097.

ClinVar aggregate classification (germline): Likely benign. Review status: criteria provided, multiple submitters, no conflicts (2 of 4 stars). 2 submissions from 2 submitters: Likely benign (2). Last evaluated 2025-12-04.

Conditions:
Charcot-Marie-Tooth disease dominant intermediate C (CMTDIC). Also called: CHARCOT-MARIE-TOOTH NEUROPATHY, DOMINANT INTERMEDIATE C. Identifiers: Orphanet 100045, MedGen C1842237, MONDO:0012012, OMIM 608323.

Submissions (2):

Women's Health and Genetics/Laboratory Corporation of America, LabCorp
Classification: Likely benign. Last evaluated: 2025-12-04. Review status: criteria provided, single submitter. Criteria: LabCorp Variant Classification Summary - May 2015. Collection method: clinical testing. Allele origin: germline.
Comment: Variant summary: YARS1 c.621G>C alters a conserved nucleotide resulting in a synonymous change. Consensus agreement among computation tools predict no significant impact on normal splicing. However, these predictions have yet to be confirmed by functional studies. The variant was absent in 249122 control chromosomes. The available data on variant occurrences in the general population are insufficient to allow any conclusion about variant significance. To our knowledge, no occurrence of c.621G>C in individuals affected with YARS1-related conditions and no experimental evidence demonstrating its impact on protein function have been reported. ClinVar contains an entry for this variant (Variation ID: 1681519). Based on the evidence outlined above, the variant was classified as likely benign.

Labcorp Genetics (formerly Invitae), Labcorp
Classification: Likely benign for Charcot-Marie-Tooth disease dominant intermediate C. Last evaluated: 2023-09-21. Review status: criteria provided, single submitter. Criteria: Invitae Variant Classification Sherloc (09022015). Collection method: clinical testing. Allele origin: germline.